The following is an entry in ClinVar:

ClinVar aggregate classification (germline): Uncertain significance (1 of 4 stars; one submission).

Submission:

Ambry Genetics
Classification: Uncertain significance. Last evaluated: 2024-10-25. Review status: criteria provided, single submitter. Criteria: Ambry Variant Classification Scheme 2023. Collection method: clinical testing. Allele origin: germline.
Comment: The p.L1298P variant (also known as c.3893T>C), located in coding exon 8 of the MLH3 gene, results from a T to C substitution at nucleotide position 3893. The leucine at codon 1298 is replaced by proline, an amino acid with similar properties. This amino acid position is conserved. In addition, the in silico prediction for this alteration is inconclusive. Based on the available evidence, the clinical significance of this variant remains unclear.

NM_001040108.2(MLH3):c.3893T>C (p.Leu1298Pro)

Gene: MLH3 (mutL homolog 3; minus strand). Cytogenetic location: 14q24.3.
Variant type: single nucleotide variant.
Coding change: c.3893T>C on transcript NM_001040108.2 (MANE Select); coding-DNA position 3893, T replaced by C.
Protein change: p.Leu1298Pro; replaces leucine 1298 with proline.
Molecular consequence: missense variant.
Genome position (GRCh38, 1-based): chr14:75,030,637, A>G on the plus strand (T>C on the coding strand, the complement: MLH3 is on the minus strand). VCF-style: chr14-75030637-A-G. GRCh37 (hg19) VCF-style: chr14-75497340-A-G.
Other names: c.3821T>C, p.Leu1274Pro (NM_014381.3); short protein forms L1274P, L1298P.
Identifiers: ClinVar variation 3396753 (VCV003396753.1).